The following is an entry in ClinVar:

NM_133259.4(LRPPRC):c.3276C>T (p.Phe1092=)

Gene: LRPPRC (leucine rich pentatricopeptide repeat containing; minus strand). Cytogenetic location: 2p21.
Variant type: single nucleotide variant.
Coding change: c.3276C>T on transcript NM_133259.4 (MANE Select); coding-DNA position 3276, C replaced by T.
Protein change: p.Phe1092=; no amino-acid change (phenylalanine 1092 retained).
Molecular consequence: synonymous variant.
Genome position (GRCh38, 1-based): chr2:43,905,780, G>A on the plus strand (C>T on the coding strand, the complement: LRPPRC is on the minus strand). VCF-style: chr2-43905780-G-A. GRCh37 (hg19) VCF-style: chr2-44132919-G-A.
Identifiers: ClinVar variation 2202547 (VCV002202547.2), dbSNP rs757273350, ClinGen allele CA1638109.

ClinVar aggregate classification (germline): Uncertain significance (1 of 4 stars; one submission).

Allele frequency attached by ClinVar (database versions not stated): ExAC 0.00001.
gnomAD v4.1: 7 of 1,592,916 alleles (0.00044%); highest among the groups gnomAD compares: East Asian, 0.0022%; no homozygotes.

Submission:

Labcorp Genetics (formerly Invitae), Labcorp
Classification: Uncertain significance. Last evaluated: 2024-10-15. Review status: criteria provided, single submitter. Criteria: Invitae Variant Classification Sherloc (09022015). Collection method: clinical testing. Allele origin: germline.
Comment: This sequence change affects codon 1092 of the LRPPRC mRNA. It is a 'silent' change, meaning that it does not change the encoded amino acid sequence of the LRPPRC protein. It affects a nucleotide within the consensus splice site. This variant is present in population databases (rs757273350, gnomAD 0.006%). This variant has not been reported in the literature in individuals affected with LRPPRC-related conditions. ClinVar contains an entry for this variant (Variation ID: 2202547). Algorithms developed to predict the effect of sequence changes on RNA splicing suggest that this variant is not likely to affect RNA splicing. In summary, the available evidence is currently insufficient to determine the role of this variant in disease. Therefore, it has been classified as a Variant of Uncertain Significance.